The following is an entry in ClinVar:

ClinVar aggregate classification (germline): Likely benign. Review status: criteria provided, multiple submitters, no conflicts (2 of 4 stars). 3 submissions from 3 submitters: Likely benign (2). 1 of the submissions does not count toward it. Last evaluated 2026-08-01.

Conditions:
MYO18B-related disorder. Also called: MYO18B-related condition.

Allele frequency attached by ClinVar (database versions not stated): gnomAD exomes 0.00003 and 0.00006; ExAC 0.00005; gnomAD 0.00008 and 0.00009; TOPMed 0.00009.
gnomAD v4.1: 61 of 1,613,628 alleles (0.0038%); highest among the groups gnomAD compares: African/African-American, 0.015%; no homozygotes.

Submissions (3):

CeGaT Center for Human Genetics Tuebingen
Classification: Likely benign. Last evaluated: 2026-08-01. Review status: criteria provided, single submitter. Criteria: CeGaT Center For Human Genetics Tuebingen Variant Classification Criteria Version 2. Collection method: clinical testing. Allele origin: germline. Affected: yes. Observed: 2 variant alleles.
Comment: MYO18B: BP4, BP7

Labcorp Genetics (formerly Invitae), Labcorp
Classification: Likely benign. Last evaluated: 2025-01-29. Review status: criteria provided, single submitter. Criteria: Invitae Variant Classification Sherloc (09022015). Collection method: clinical testing. Allele origin: germline.

PreventionGenetics, part of Exact Sciences
Classification: Likely benign for MYO18B-related condition. Last evaluated: 2019-04-09. Review status: no assertion criteria provided. Collection method: clinical testing. Allele origin: germline. Not counted in ClinVar's aggregate classification.
Comment: This variant is classified as likely benign based on ACMG/AMP sequence variant interpretation guidelines (Richards et al. 2015 PMID: 25741868, with internal and published modifications).

NM_032608.7(MYO18B):c.4695C>T (p.Asp1565=)

Genes: MYO18B (myosin XVIIIB; plus strand), MYO18B-AS1 (MYO18B antisense RNA 1; minus strand). Cytogenetic location: 22q12.1.
Variant type: single nucleotide variant.
Coding change: c.4695C>T on transcript NM_032608.7 (MANE Select); coding-DNA position 4695, C replaced by T.
Protein change: p.Asp1565=; no amino-acid change (aspartic acid 1565 retained).
Molecular consequence: synonymous variant.
Genome position (GRCh38, 1-based): chr22:25,898,333, C>T. VCF-style: chr22-25898333-C-T. GRCh37 (hg19) VCF-style: chr22-26294300-C-T.
Other names: c.4695C>T (NM_032608.6); c.4698C>T, p.Asp1566= (NM_001318245.2).
Identifiers: ClinVar variation 1591443 (VCV001591443.18), dbSNP rs774794668, ClinGen allele CA10160965.